The following is an entry in ClinVar:

ClinVar aggregate classification (germline): Uncertain significance (1 of 4 stars; one submission).

Conditions:
Epileptic encephalopathy. Identifiers: MedGen C0543888, HP:0200134.

gnomAD v4.1: 16 of 1,612,372 alleles (0.00099%); highest among the groups gnomAD compares: South Asian, 0.0022%; no homozygotes.

Submission:

Labcorp Genetics (formerly Invitae), Labcorp
Classification: Uncertain significance for Epileptic encephalopathy. Last evaluated: 2024-03-02. Review status: criteria provided, single submitter. Criteria: Invitae Variant Classification Sherloc (09022015). Collection method: clinical testing. Allele origin: germline.
Comment: This sequence change replaces arginine, which is basic and polar, with histidine, which is basic and polar, at codon 773 of the FASN protein (p.Arg773His). This variant is present in population databases (rs758311283, gnomAD 0.02%). This variant has not been reported in the literature in individuals affected with FASN-related conditions. An algorithm developed to predict the effect of missense changes on protein structure and function (PolyPhen-2) suggests that this variant is likely to be disruptive. In summary, the available evidence is currently insufficient to determine the role of this variant in disease. Therefore, it has been classified as a Variant of Uncertain Significance.

NM_004104.5(FASN):c.2318G>A (p.Arg773His)

Gene: FASN (fatty acid synthase; minus strand). Cytogenetic location: 17q25.3.
Variant type: single nucleotide variant.
Coding change: c.2318G>A on transcript NM_004104.5 (MANE Select); coding-DNA position 2318, G replaced by A.
Protein change: p.Arg773His; replaces arginine 773 with histidine.
Molecular consequence: missense variant.
Genome position (GRCh38, 1-based): chr17:82,088,863, C>T on the plus strand (G>A on the coding strand, the complement: FASN is on the minus strand). VCF-style: chr17-82088863-C-T. GRCh37 (hg19) VCF-style: chr17-80046739-C-T.
Other names: short protein forms R773H.
Identifiers: ClinVar variation 3714022 (VCV003714022.2).